The following is an entry in ClinVar:

NM_005257.6(GATA6):c.976C>T (p.His326Tyr)

Gene: GATA6 (GATA binding protein 6; plus strand). Cytogenetic location: 18q11.2.
Variant type: single nucleotide variant.
Coding change: c.976C>T on transcript NM_005257.6 (MANE Select); coding-DNA position 976, C replaced by T.
Protein change: p.His326Tyr; replaces histidine 326 with tyrosine.
Molecular consequence: missense variant.
Genome position (GRCh38, 1-based): chr18:22,172,120, C>T. VCF-style: chr18-22172120-C-T. GRCh37 (hg19) VCF-style: chr18-19752081-C-T.
Other names: short protein forms H326Y.
Identifiers: ClinVar variation 2633198 (VCV002633198.1), dbSNP rs2510626737, ClinGen allele CA401801532.
Genomic context (GRCh38, chr18:22,172,120, plus strand): 5'-CGCGAGCCCCAGTACAGCTCGCTGTCGGCCGCGCGGCCGCTGAACGGGACGTACCACCAC[C>T]ACCACCACCACCACCACCACCATCCGAGCCCCTACTCGCCCTACGTGGGGGCGCCACTGA-3'
Protein context (NP_005248.2, residues 316-336): ARPLNGTYHH[His326Tyr]HHHHHHHPSP

ClinVar aggregate classification (germline): Uncertain significance (1 of 4 stars; one submission).

Conditions:
GATA6-related disorder. Also called: GATA6-related condition.

Submission:

PreventionGenetics, part of Exact Sciences
Classification: Uncertain significance for GATA6-related condition. Last evaluated: 2023-05-03. Review status: criteria provided, single submitter. Criteria: ACMG Guidelines, 2015. Collection method: clinical testing. Allele origin: germline.
Comment: The GATA6 c.976C>T variant is predicted to result in the amino acid substitution p.His326Tyr. To our knowledge, this variant has not been reported in the literature or in a large population database, indicating this variant is rare. At this time, the clinical significance of this variant is uncertain due to the absence of conclusive functional and genetic evidence.